The following is an entry in ClinVar:

ClinVar aggregate classification (germline): Conflicting classifications of pathogenicity. Review status: criteria provided, conflicting classifications (1 of 4 stars). 6 submissions from 6 submitters: Uncertain significance (4); Likely benign (2). Last evaluated 2025-04-03.

Conditions:
Inborn genetic diseases. Identifiers: MedGen C0950123, MeSH D030342.
Autosomal recessive limb-girdle muscular dystrophy type 2K. Also called: MUSCULAR DYSTROPHY-DYSTROGLYCANOPATHY (LIMB-GIRDLE), TYPE C, 1; MUSCULAR DYSTROPHY, LIMB-GIRDLE, TYPE 2K. Identifiers: Orphanet 86812, MedGen C1836373, MONDO:0012248, OMIM 609308.
Walker-Warburg congenital muscular dystrophy. Also called: Muscular dystrophy-dystroglycanopathy, type A; Walker-Warburg syndrome. Identifiers: Orphanet 899, MedGen C0265221, MONDO:0000171.
Muscular dystrophy-dystroglycanopathy (congenital with impaired intellectual development), type B, 1. Also called: MUSCULAR DYSTROPHY, CONGENITAL, POMT1-RELATED; Muscular dystrophy-dystroglycanopathy (congenital with intellectual disability), type B1. Identifiers: MedGen C5436962, MONDO:0013159, OMIM 613155.

Allele frequency attached by ClinVar (database versions not stated): gnomAD 0.00001; gnomAD exomes below 0.00001 and 0.00001; TOPMed below 0.00001.
gnomAD v4.1: 4 of 1,613,228 alleles (0.00025%); highest among the groups gnomAD compares: Admixed American, 0.0033%; no homozygotes.

Submissions (6):

Ambry Genetics
Classification: Likely benign for Inborn genetic diseases. Last evaluated: 2025-04-03. Review status: criteria provided, single submitter. Criteria: Ambry Variant Classification Scheme 2023. Collection method: clinical testing. Allele origin: germline.

Revvity Omics, Revvity
Classification: Uncertain significance. Last evaluated: 2025-02-20. Review status: criteria provided, single submitter. Criteria: ACMG Guidelines, 2015. Collection method: clinical testing. Allele origin: germline.

Blueprint Genetics
Classification: Likely benign. Last evaluated: 2024-06-27. Review status: criteria provided, single submitter. Criteria: ACMG Guidelines, 2015. Collection method: clinical testing. Allele origin: germline.

GeneDx
Classification: Uncertain significance. Last evaluated: 2022-06-07. Review status: criteria provided, single submitter. Criteria: GeneDx Variant Classification Process June 2021. Collection method: clinical testing. Allele origin: germline. Affected: yes.
Comment: Not observed at significant frequency in large population cohorts (gnomAD); In silico analysis supports that this missense variant does not alter protein structure/function; Has not been previously published as pathogenic or benign to our knowledge

Labcorp Genetics (formerly Invitae), Labcorp
Classification: Uncertain significance for Muscular dystrophy-dystroglycanopathy (congenital with impaired intellectual development), type B, 1; Walker-Warburg congenital muscular dystrophy; Autosomal recessive limb-girdle muscular dystrophy type 2K. Last evaluated: 2021-11-03. Review status: criteria provided, single submitter. Criteria: Invitae Variant Classification Sherloc (09022015). Collection method: clinical testing. Allele origin: germline.
Comment: This sequence change replaces valine, which is neutral and non-polar, with isoleucine, which is neutral and non-polar, at codon 475 of the POMT1 protein (p.Val475Ile). This variant is present in population databases (no rsID available, gnomAD 0.01%). This variant has not been reported in the literature in individuals affected with POMT1-related conditions. ClinVar contains an entry for this variant (Variation ID: 912851). Algorithms developed to predict the effect of missense changes on protein structure and function output the following: SIFT: "Tolerated"; PolyPhen-2: "Benign"; Align-GVGD: "Class C0". The isoleucine amino acid residue is found in multiple mammalian species, which suggests that this missense change does not adversely affect protein function. In summary, the available evidence is currently insufficient to determine the role of this variant in disease. Therefore, it has been classified as a Variant of Uncertain Significance.

Illumina Laboratory Services, Illumina
Classification: Uncertain significance for Autosomal recessive limb-girdle muscular dystrophy type 2K. Last evaluated: 2018-01-13. Review status: criteria provided, single submitter. Criteria: ICSL Variant Classification Criteria 13 December 2019. Collection method: clinical testing. Allele origin: germline.

NM_001077365.2(POMT1):c.1357G>A (p.Val453Ile)

Gene: POMT1 (protein O-mannosyltransferase 1; plus strand). Cytogenetic location: 9q34.13.
Variant type: single nucleotide variant.
Coding change: c.1357G>A on transcript NM_001077365.2 (MANE Select); coding-DNA position 1357, G replaced by A.
Protein change: p.Val453Ile; replaces valine 453 with isoleucine.
Molecular consequence: missense variant. On other transcripts: non-coding transcript variant (10).
Genome position (GRCh38, 1-based): chr9:131,518,529, G>A. VCF-style: chr9-131518529-G-A. GRCh37 (hg19) VCF-style: chr9-134393916-G-A.
Other names: c.1195G>A, p.Val399Ile (NM_001077366.2, NM_001353194.2); c.1357G>A, p.Val453Ile (NM_001136113.2, NM_001374690.1); c.1006G>A, p.Val336Ile (NM_001136114.2, NM_001353195.2, NM_001374691.1 and 2 more transcripts); c.1423G>A, p.Val475Ile (NM_001353193.2, NM_007171.4); c.1267G>A, p.Val423Ile (NM_001353196.2); c.1261G>A, p.Val421Ile (NM_001353197.2, NM_001353198.2); c.1072G>A, p.Val358Ile (NM_001353199.2); c.901G>A, p.Val301Ile (NM_001353200.2); and 2 more; short protein forms V421I, V423I, V323I, V336I, V399I, V449I, V475I, V358I.
Identifiers: ClinVar variation 912851 (VCV000912851.12), dbSNP rs1008021925, ClinGen allele CA200794964.